The following is an entry in ClinVar:

NM_032634.4(PIGO):c.2247G>T (p.Gly749=)

Gene: PIGO (phosphatidylinositol glycan anchor biosynthesis class O; minus strand). Cytogenetic location: 9p13.3.
Variant type: single nucleotide variant.
Coding change: c.2247G>T on transcript NM_032634.4 (MANE Select); coding-DNA position 2247, G replaced by T.
Protein change: p.Gly749=; no amino-acid change (glycine 749 retained).
Molecular consequence: synonymous variant. On other transcripts: intron variant (2).
Genome position (GRCh38, 1-based): chr9:35,091,640, C>A on the plus strand (G>T on the coding strand, the complement: PIGO is on the minus strand). VCF-style: chr9-35091640-C-A. GRCh37 (hg19) VCF-style: chr9-35091637-C-A.
Other names: c.1345-349G>T (NM_152850.4, NM_001201484.2).
Identifiers: ClinVar variation 3772006 (VCV003772006.13).

ClinVar aggregate classification (germline): Likely benign (1 of 4 stars; one submission).

Submission:

CeGaT Center for Human Genetics Tuebingen
Classification: Likely benign. Last evaluated: 2024-12-01. Review status: criteria provided, single submitter. Criteria: CeGaT Center For Human Genetics Tuebingen Variant Classification Criteria Version 2. Collection method: clinical testing. Allele origin: germline. Affected: yes. Observed: 1 variant allele.
Comment: PIGO: PM2:Supporting, BP4, BP7